The following is an entry in ClinVar:

ClinVar aggregate classification (germline): Uncertain significance. Review status: criteria provided, single submitter (1 of 4 stars). 2 submissions from 2 submitters: Uncertain significance (1). 1 of the submissions does not count toward it. Last evaluated 2022-05-24.

Conditions:
Retinal dystrophy. Also called: Inherited retinal dystrophy. Identifiers: Orphanet 71862, MedGen C0854723, MeSH D058499, MONDO:0019118, HP:0000556.
Alstrom syndrome (ALMS). Identifiers: Orphanet 64, MedGen C0268425, MONDO:0008763, OMIM 203800.

gnomAD v4.1: 6 of 1,613,868 alleles (0.00037%); highest among the groups gnomAD compares: Middle Eastern, 0.016%; no homozygotes.

Submissions (2):

Labcorp Genetics (formerly Invitae), Labcorp
Classification: Uncertain significance for Alstrom syndrome. Last evaluated: 2022-05-24. Review status: criteria provided, single submitter. Criteria: Invitae Variant Classification Sherloc (09022015). Collection method: clinical testing. Allele origin: germline.
Comment: This sequence change replaces arginine, which is basic and polar, with proline, which is neutral and non-polar, at codon 3739 of the ALMS1 protein (p.Arg3739Pro). This variant is present in population databases (rs200378498, gnomAD 0.002%). This variant has not been reported in the literature in individuals affected with ALMS1-related conditions. Experimental studies and prediction algorithms are not available or were not evaluated, and the functional significance of this variant is currently unknown. In summary, the available evidence is currently insufficient to determine the role of this variant in disease. Therefore, it has been classified as a Variant of Uncertain Significance.

Institute of Human Genetics, Univ. Regensburg, Univ. Regensburg
Classification: Uncertain significance for Retinal dystrophy. Last evaluated: 2023-01-01. Review status: no assertion criteria provided. Criteria: ACMG Guidelines, 2015. Collection method: clinical testing. Allele origin: germline. Affected: yes. Not counted in ClinVar's aggregate classification.

NM_001378454.1(ALMS1):c.11213G>C (p.Arg3738Pro)

Gene: ALMS1 (ALMS1 centrosome and basal body associated protein; plus strand). Cytogenetic location: 2p13.1.
Variant type: single nucleotide variant.
Coding change: c.11213G>C on transcript NM_001378454.1 (MANE Select); coding-DNA position 11213, G replaced by C.
Protein change: p.Arg3738Pro; replaces arginine 3738 with proline.
Molecular consequence: missense variant.
Genome position (GRCh38, 1-based): chr2:73,573,090, G>C. VCF-style: chr2-73573090-G-C. GRCh37 (hg19) VCF-style: chr2-73800217-G-C.
Other names: c.11216G>C, p.Arg3739Pro (NM_015120.4); short protein forms R3738P, R3739P.
Identifiers: ClinVar variation 2187903 (VCV002187903.2), dbSNP rs200378498, ClinGen allele CA1715140.